The following is an entry in ClinVar:

ClinVar aggregate classification (germline): Uncertain significance (1 of 4 stars; one submission).

gnomAD v4.1: 39 of 1,611,824 alleles (0.0024%); highest among the groups gnomAD compares: Non-Finnish European, 0.0032%; no homozygotes.

Submission:

Labcorp Genetics (formerly Invitae), Labcorp
Classification: Uncertain significance. Last evaluated: 2024-06-03. Review status: criteria provided, single submitter. Criteria: Invitae Variant Classification Sherloc (09022015). Collection method: clinical testing. Allele origin: germline.
Comment: This sequence change replaces phenylalanine, which is neutral and non-polar, with cysteine, which is neutral and slightly polar, at codon 1413 of the EPRS protein (p.Phe1413Cys). The frequency data for this variant in the population databases is considered unreliable, as metrics indicate poor data quality at this position in the gnomAD database. This variant has not been reported in the literature in individuals affected with EPRS-related conditions. ClinVar contains an entry for this variant (Variation ID: 2179265). An algorithm developed to predict the effect of missense changes on protein structure and function (PolyPhen-2) suggests that this variant is likely to be disruptive. In summary, the available evidence is currently insufficient to determine the role of this variant in disease. Therefore, it has been classified as a Variant of Uncertain Significance.

NM_004446.3(EPRS1):c.4238T>G (p.Phe1413Cys)

Gene: EPRS1 (glutamyl-prolyl-tRNA synthetase 1; minus strand). Cytogenetic location: 1q41.
Variant type: single nucleotide variant.
Coding change: c.4238T>G on transcript NM_004446.3 (MANE Select); coding-DNA position 4238, T replaced by G.
Protein change: p.Phe1413Cys; replaces phenylalanine 1413 with cysteine.
Molecular consequence: missense variant.
Genome position (GRCh38, 1-based): chr1:219,973,244, A>C on the plus strand (T>G on the coding strand, the complement: EPRS1 is on the minus strand). VCF-style: chr1-219973244-A-C. GRCh37 (hg19) VCF-style: chr1-220146586-A-C.
Other names: short protein forms F1413C.
Identifiers: ClinVar variation 2179265 (VCV002179265.4), dbSNP rs1178513548, ClinGen allele CA344626479.